The following is an entry in ClinVar:

NM_001001968.1(OR6S1):c.596A>G (p.Glu199Gly)

Gene: OR6S1 (olfactory receptor family 6 subfamily S member 1; minus strand). Cytogenetic location: 14q11.2.
Variant type: single nucleotide variant.
Coding change: c.596A>G on transcript NM_001001968.1 (MANE Select); coding-DNA position 596, A replaced by G.
Protein change: p.Glu199Gly; replaces glutamic acid 199 with glycine.
Molecular consequence: missense variant.
Genome position (GRCh38, 1-based): chr14:20,641,096, T>C on the plus strand (A>G on the coding strand, the complement: OR6S1 is on the minus strand). VCF-style: chr14-20641096-T-C. GRCh37 (hg19) VCF-style: chr14-21109255-T-C.
Other names: short protein forms E199G.
Identifiers: ClinVar variation 2644052 (VCV002644052.24), dbSNP rs45592635, ClinGen allele CA7082946.

ClinVar aggregate classification (germline): Likely benign (1 of 4 stars; one submission).

Allele frequency attached by ClinVar (database versions not stated): 1000 Genomes Project 30x 0.00344; 1000 Genomes Project 0.00359; gnomAD 0.00566; TOPMed 0.00567; ExAC 0.00634; ESP Exome Variant Server 0.00700; gnomAD exomes 0.00859.

Submission:

CeGaT Center for Human Genetics Tuebingen
Classification: Likely benign. Last evaluated: 2024-07-01. Review status: criteria provided, single submitter. Criteria: CeGaT Center For Human Genetics Tuebingen Variant Classification Criteria Version 2. Collection method: clinical testing. Allele origin: germline. Affected: yes. Observed: 2 variant alleles.
Comment: OR6S1: BP4, BS2